The following is an entry in ClinVar:

ClinVar aggregate classification (germline): Likely benign (0 of 4 stars; one submission).

Conditions:
CARD14-related disorder. Also called: CARD14-related condition.

Allele frequency attached by ClinVar (database versions not stated): ExAC 0.00001; gnomAD exomes 0.00001.
gnomAD v4.1: 9 of 1,613,156 alleles (0.00056%); highest among the groups gnomAD compares: South Asian, 0.0033%; no homozygotes.

Submission:

PreventionGenetics, part of Exact Sciences
Classification: Likely benign for CARD14-related condition. Last evaluated: 2019-04-04. Review status: no assertion criteria provided. Collection method: clinical testing. Allele origin: germline.
Comment: This variant is classified as likely benign based on ACMG/AMP sequence variant interpretation guidelines (Richards et al. 2015 PMID: 25741868, with internal and published modifications).

NM_001366385.1(CARD14):c.1734A>G (p.Ala578=)

Gene: CARD14 (caspase recruitment domain family member 14; plus strand). Cytogenetic location: 17q25.3.
Variant type: single nucleotide variant.
Coding change: c.1734A>G on transcript NM_001366385.1 (MANE Select); coding-DNA position 1734, A replaced by G.
Protein change: p.Ala578=; no amino-acid change (alanine 578 retained).
Molecular consequence: synonymous variant. On other transcripts: non-coding transcript variant (1).
Genome position (GRCh38, 1-based): chr17:80,198,474, A>G. VCF-style: chr17-80198474-A-G. GRCh37 (hg19) VCF-style: chr17-78172273-A-G.
Other names: c.1734A>G, p.Ala578= (NM_001257970.1, NM_024110.4); c.1023A>G, p.Ala341= (NM_052819.3).
Identifiers: ClinVar variation 3047669 (VCV003047669.2), dbSNP rs765163740, ClinGen allele CA8816966.